The following is an entry in ClinVar:

ClinVar aggregate classification (germline): Conflicting classifications of pathogenicity. Review status: criteria provided, conflicting classifications (1 of 4 stars). 14 submissions from 14 submitters: Uncertain significance (7); Likely benign (5). 2 of the submissions do not count toward it. Last evaluated 2026-02-02.

Conditions:
Cardiovascular phenotype. Identifiers: MedGen CN230736.
Familial isolated arrhythmogenic right ventricular dysplasia. Identifiers: Orphanet 217656, MedGen C4274968, MONDO:0016342.
Cardiomyopathy (CMYO). Also called: Cardiomyopathies. Identifiers: Orphanet 167848, MedGen C0878544, MONDO:0004994, HP:0001638. Inheritance: Various modes of inheritance.
Arrhythmogenic right ventricular dysplasia 11. Also called: Arrhythmogenic right ventricular dysplasia 11 with mild palmoplantar keratoderma and woolly hair; Arrhythmogenic Right Ventricular Dysplasia/Cardiomyopathy11; ARRHYTHMOGENIC RIGHT VENTRICULAR DYSPLASIA, FAMILIAL, 11. Identifiers: MedGen C1864850, MONDO:0012506, OMIM 610476.

Allele frequency attached by ClinVar (database versions not stated): gnomAD 0.00019 and 0.00023; ExAC 0.00027; gnomAD exomes 0.00027 and 0.00059; TOPMed 0.00031; 1000 Genomes Project 0.00040; ESP Exome Variant Server 0.00046; 1000 Genomes Project 30x 0.00047.
gnomAD v4.1: 896 of 1,614,050 alleles (0.056%); highest among the groups gnomAD compares: Non-Finnish European, 0.066%; 1 homozygote.

Submissions (14):

Labcorp Genetics (formerly Invitae), Labcorp
Classification: Likely benign for Arrhythmogenic right ventricular dysplasia 11. Last evaluated: 2026-02-02. Review status: criteria provided, single submitter. Criteria: Invitae Variant Classification Sherloc (09022015). Collection method: clinical testing. Allele origin: germline.

GeneDx
Classification: Uncertain significance. Last evaluated: 2026-01-14. Review status: criteria provided, single submitter. Criteria: GeneDx Variant Classification Process June 2021. Collection method: clinical testing. Allele origin: germline. Affected: yes.
Comment: In silico analysis supports that this missense variant has a deleterious effect on protein structure/function; Identified in multiple individuals with ARVC referred for genetic testing at GeneDx and in published literature; many of these individuals also harbored different pathogenic variants in other ARVC-related genes (PMID: 21606396, 21636032, 23671136, 28341588, 31402444, 33652588); Reported in a patient with DCM and in a patient with ventricular fibrillation (PMID: 25163546, 29032884); This variant is associated with the following publications: (PMID: 23671136, 28341588, 28471438, 23911551, 23299917, 21636032, 20716751, 37937776, 29032884, 31402444, 33652588, 25163546, 21606396, 30847666)

Molecular Diagnostic Laboratory for Inherited Cardiovascular Disease, Montreal Heart Institute
Classification: Likely benign. Last evaluated: 2025-04-09. Review status: criteria provided, single submitter. Criteria: ACMG Guidelines, 2015. Collection method: clinical testing. Allele origin: germline. Affected: no.
Comment: BS1

Color Diagnostics, LLC DBA Color Health
Classification: Likely benign for Cardiomyopathy. Last evaluated: 2025-03-17. Review status: criteria provided, single submitter. Criteria: ACMG Guidelines, 2015. Collection method: clinical testing. Allele origin: germline.

Blueprint Genetics
Classification: Likely benign. Last evaluated: 2024-10-28. Review status: criteria provided, single submitter. Criteria: ACMG Guidelines, 2015. Collection method: clinical testing. Allele origin: germline.

All of Us Research Program, National Institutes of Health
Classification: Uncertain significance for Familial isolated arrhythmogenic right ventricular dysplasia. Last evaluated: 2024-09-11. Review status: criteria provided, single submitter. Criteria: ACMG Guidelines, 2015. Collection method: clinical testing. Allele origin: germline. Inheritance: Autosomal dominant inheritance. Observed: 95 variant alleles, 95 heterozygotes.
Comment: This missense variant replaces glycine with arginine at codon 863 of the DSC2 protein. Computational prediction is inconclusive regarding the impact of this variant on protein structure and function (internally defined REVEL score threshold 0.5 < inconclusive < 0.7, PMID: 27666373). To our knowledge, functional studies have not been reported for this variant. This variant has been reported in an individual affected with dilated cardiomyopathy, in two individuals affected with arrhythmogenic cardiomyopathy, in an individual suspected to be affected with hypertrophic cardiomyopathy, and in an individual who experienced a idiopathic ventricular fibrillation event (PMID: 20716751, 28341588, 29032884, 30847666, 33652588). This variant has also been reported in another individual affected with arrhythmogenic right ventricular cardiomyopathy who also carried a pathogenic variant in the PKP2 gene (PMID: 21606396) and in an individual suspected to be affected with dilated cardiomyopathy who also carried a pathogenic variant in the SCN5A gene (PMID: 30847666). This variant has been identified in 74/282526 chromosomes in the general population by the Genome Aggregation Database (gnomAD). Although this variant allele frequency is thought to be higher than expected for DSC2-related disorders, additional studies are necessary to determine the role of this variant in disease conclusively. Therefore, this variant is classified as a Variant of Uncertain Significance.

This study involves interpretation of variants in research participants for the purpose of population health screening. Participant phenotype was not available at the time of variant classification. Additional details can be found in publication PMID: 35346344, PMCID: PMC8962531

Ambry Genetics
Classification: Likely benign for Cardiovascular phenotype. Last evaluated: 2021-09-23. Review status: criteria provided, single submitter. Criteria: Ambry Variant Classification Scheme 2023. Collection method: clinical testing. Allele origin: germline.

Women's Health and Genetics/Laboratory Corporation of America, LabCorp
Classification: Uncertain significance. Last evaluated: 2017-09-05. Review status: criteria provided, single submitter. Criteria: LabCorp Variant Classification Summary - May 2015. Collection method: clinical testing. Allele origin: germline.
Comment: Variant summary: The DSC2 c.2587G>A (p.Gly863Arg) variant involves the alteration of a conserved nucleotide. 4/4 in silico tools predict a damaging outcome for this variant (SNPsandGO not captured due to low reliability index). However, these predictions have not been confirmed by any in vitro/vivo functional studies. This variant was found in 34/122138 control chromosomes at a frequency of 0.0002784, which is approximately 28 times the estimated maximal expected allele frequency of a pathogenic DSC2 variant (0.00001), suggesting this variant is likely a benign polymorphism. This variant has been reported in affected individuals with DCM or ARVD. However, since ARVD is a known clinical entity that sometimes follows a digenic inheritance, we cannot exclude the pathogenicy of variant of interest based on the co-occurrence of PKP2 variant c.917_918delCC. In addition, multiple clinical diagnostic laboratories/reputable databases classified this variant as uncertain significance. Taken together, this variant is classified as VUS-possibly benign unitl more information becomes available.

ARUP Laboratories, Molecular Genetics and Genomics, ARUP Laboratories
Classification: Uncertain significance. Last evaluated: 2017-08-14. Review status: criteria provided, single submitter. Criteria: ARUP Molecular Germline Variant Investigation Process. Collection method: clinical testing. Allele origin: germline.
Comment: The c.2587G>A; p.Gly863Arg variant (rs147109895) was observed in both patient and control individuals assessed for dilated cardiomyopathy (Elliott, 2010). In addition the p.Gly863Arg variant was reported in one patient analyzed for arrhythmogenic right ventricular dysplasia/cardiomyopathy, whom also carried a frameshift PKP2 allele associated with this disease (Cox, 2011). This variant is listed in the Genome Aggregation Database (gnomAD) with a frequency of 0.06 percent in the South Asian population (identified on 19 out of 30,770 chromosomes), and is listed in the ClinVar database with uncertain significance (Variation ID: 46183). The glycine at position 863 is highly conserved and computational analyses of the p.Gly863Arg variant on protein structure and function indicate a deleterious effect (SIFT: damaging, MutationTaster: disease causing, PolyPhen-2: probably damaging). Altogether, there is not enough evidence to classify the p.Gly863Arg variant with certainty.

Illumina Laboratory Services, Illumina
Classification: Uncertain significance for Arrhythmogenic right ventricular dysplasia 11. Last evaluated: 2017-04-27. Review status: criteria provided, single submitter. Criteria: ICSL Variant Classification Criteria 13 December 2019. Collection method: clinical testing. Allele origin: germline.
Comment: This variant was observed as part of a predisposition screen in an ostensibly healthy population. A literature search was performed for the gene, cDNA change, and amino acid change (where applicable). Publications were found based on this search. However, the evidence from the literature, in combination with allele frequency data from public databases where available, was not sufficient to rule this variant in or out of causing disease. Therefore, this variant is classified as a variant of unknown significance.

Stanford Center for Inherited Cardiovascular Disease, Stanford University
Classification: Uncertain significance. Last evaluated: 2017-03-07. Review status: criteria provided, single submitter. Criteria: ACMG Guidelines, 2015. Collection method: provider interpretation. Allele origin: germline.

Laboratory for Molecular Medicine, Mass General Brigham Personalized Medicine
Classification: Uncertain significance. Last evaluated: 2016-03-06. Review status: criteria provided, single submitter. Criteria: LMM Criteria. Collection method: clinical testing. Allele origin: germline. Observed: 1 variant allele.
Comment: Variant classified as Uncertain Significance - Favor Benign. The p.Gly863Arg var iant has been reported in the literature in one individual with DCM and 1 indivi dual with ARVC (Elliott 2010, Cox 2011). This variant has been identified in 0.0 3% (33/121305) of chromosomes by the Exome Aggregation Consortium (ExAC; dbSNP rs147109895). Computational prediction tools and conservation analysis suggest that the p.Gly863Arg variant may impact the protei n, though this information is not predictive enough to determine pathogenicity. In summary, while the clinical significance of this variant is uncertain, its f requency suggests that it is more likely to be benign.

Clinical Molecular Genetics Laboratory, Johns Hopkins All Children's Hospital
Classification: Uncertain significance. Last evaluated: 2016-09-23. Review status: no assertion criteria provided. Collection method: clinical testing. Allele origin: germline. Not counted in ClinVar's aggregate classification.

Division of Human Genetics, Children's Hospital of Philadelphia
Classification: Uncertain significance for Arrhythmogenic right ventricular dysplasia 11. Last evaluated: 2015-07-30. Review status: no assertion criteria provided. Collection method: research. Allele origin: maternal. Affected: yes. Study: CSER-PediSeq. Not counted in ClinVar's aggregate classification.

Literature cited by the submitters: PubMed 20716751 (cited by 5 submitters); PubMed 21606396 (cited by 4 submitters); PubMed 28341588 (cited by All of Us Research Program, National Institutes of Health); PubMed 29032884 (cited by All of Us Research Program, National Institutes of Health and Ambry Genetics); PubMed 30847666 (cited by All of Us Research Program, National Institutes of Health); PubMed 33652588 (cited by All of Us Research Program, National Institutes of Health and Ambry Genetics); PubMed 25163546 (cited by Ambry Genetics and Women's Health and Genetics/Laboratory Corporation of America, LabCorp); PubMed 28471438 (cited by Ambry Genetics); PubMed 21636032 (cited by Women's Health and Genetics/Laboratory Corporation of America, LabCorp); PubMed 23299917 (cited by 3 submitters); PubMed 23911551 (cited by Women's Health and Genetics/Laboratory Corporation of America, LabCorp and Illumina Laboratory Services, Illumina).

NM_024422.6(DSC2):c.2587G>A (p.Gly863Arg)

Gene: DSC2 (desmocollin 2; minus strand). Cytogenetic location: 18q12.1.
Variant type: single nucleotide variant.
Coding change: c.2587G>A on transcript NM_024422.6 (MANE Select); coding-DNA position 2587, G replaced by A.
Protein change: p.Gly863Arg; replaces glycine 863 with arginine.
Molecular consequence: missense variant. On other transcripts: 3 prime UTR variant (1).
Genome position (GRCh38, 1-based): chr18:31,068,134, C>T on the plus strand (G>A on the coding strand, the complement: DSC2 is on the minus strand). VCF-style: chr18-31068134-C-T. GRCh37 (hg19) VCF-style: chr18-28648100-C-T.
Other names: p.G863R:GGA>AGA; c.*89G>A (NM_004949.5); short protein forms G863R.
Identifiers: ClinVar variation 46183 (VCV000046183.48), dbSNP rs147109895, ClinGen allele CA022964.
Genomic context (GRCh38, chr18:31,068,134, plus strand): 5'-ATTCAAGCCCATCTTCTTCTTGTCGTTCACTGCAACAACCTACAGACCCAGCCACCGATC[C>T]TCTTCCTTCATAGTTATATGTCAGGACATAGTCTTGGGCATGCTTGTGATTTTCATCTTG-3'
Protein context (NP_077740.1, residues 853-873): YVLTYNYEGR[Gly863Arg]SVAGSVGCCS